The following is an entry in ClinVar:

ClinVar aggregate classification (germline): Benign/Likely benign. Review status: criteria provided, multiple submitters, no conflicts (2 of 4 stars). 4 submissions from 4 submitters: Benign (1); Likely benign (3). Last evaluated 2026-09-29.

Conditions:
Hereditary cancer-predisposing syndrome. Also called: Hereditary Cancer Syndrome; Tumor predisposition; Hereditary neoplastic syndrome; Neoplastic Syndromes, Hereditary. Identifiers: Orphanet 140162, MedGen C0027672, MeSH D009386, MONDO:0015356.
Neurofibromatosis, type 1 (NF1). Also called: Peripheral type neurofibromatosis; Neurofibromatosis, type I; VON RECKLINGHAUSEN DISEASE; NEUROFIBROMATOSIS, TYPE I, SOMATIC. Identifiers: Orphanet 636, MedGen C0027831, MONDO:0018975, OMIM 162200. Disease mechanism: loss of function.

Allele frequency attached by ClinVar (database versions not stated): TOPMed below 0.00001; gnomAD exomes below 0.00001.
gnomAD v4.1: 3 of 1,614,140 alleles (0.00019%); highest among the groups gnomAD compares: East Asian, 0.0022%; no homozygotes.

Submissions (4):

Myriad Genetics, Inc.
Classification: Benign for Neurofibromatosis, type 1. Last evaluated: 2026-09-29. Review status: criteria provided, single submitter. Criteria: Myriad Autosomal Dominant, Autosomal Recessive and X-Linked Classification Criteria (2023). Collection method: clinical testing. Allele origin: unknown.
Comment: This variant is considered benign. This variant is a silent/synonymous amino acid change and it is not expected to impact splicing.

Labcorp Genetics (formerly Invitae), Labcorp
Classification: Likely benign for Neurofibromatosis, type 1. Last evaluated: 2025-12-09. Review status: criteria provided, single submitter. Criteria: Invitae Variant Classification Sherloc (09022015). Collection method: clinical testing. Allele origin: germline.

Genome-Nilou Lab
Classification: Likely benign for Neurofibromatosis, type 1. Last evaluated: 2022-03-15. Review status: criteria provided, single submitter. Criteria: ACMG Guidelines, 2015. Collection method: clinical testing. Allele origin: germline. Affected: no.

Ambry Genetics
Classification: Likely benign for Hereditary cancer-predisposing syndrome. Last evaluated: 2015-05-13. Review status: criteria provided, single submitter. Criteria: Ambry Autosomal Dominant and X-Linked criteria (10/2015). Collection method: clinical testing. Allele origin: germline. Observed: 1 variant allele.

NM_001042492.3(NF1):c.3766C>T (p.Leu1256=)

Gene: NF1 (neurofibromin 1; plus strand). Cytogenetic location: 17q11.2.
Variant type: single nucleotide variant.
Coding change: c.3766C>T on transcript NM_001042492.3 (MANE Select); coding-DNA position 3766, C replaced by T.
Protein change: p.Leu1256=; no amino-acid change (leucine 1256 retained).
Molecular consequence: synonymous variant.
Genome position (GRCh38, 1-based): chr17:31,235,668, C>T. VCF-style: chr17-31235668-C-T. GRCh37 (hg19) VCF-style: chr17-29562686-C-T.
Other names: c.3766C>T, p.Leu1256= (NM_000267.4).
Identifiers: ClinVar variation 231783 (VCV000231783.15), dbSNP rs876659360, ClinGen allele CA10580293.
Genomic context (GRCh38, chr17:31,235,668, plus strand): 5'-CAGGATGAACTAGCTCGAGTTCTGGTTACTCTGTTTGATTCTCGGCATTTACTCTACCAA[C>T]TGCTCTGGAACATGTTTTCTAAAGAAGTAGAATTGGCAGACTCCATGCAGACTCTCTTCC-3'
Protein context (NP_001035957.1, residues 1246-1266): LFDSRHLLYQ[Leu1256=]LWNMFSKEVE